The following is an entry in ClinVar:

NM_001184749.3(SLITRK4):c.611G>A (p.Arg204His)

Gene: SLITRK4 (SLIT and NTRK like family member 4; minus strand). Cytogenetic location: Xq27.3.
Variant type: single nucleotide variant.
Coding change: c.611G>A on transcript NM_001184749.3 (MANE Select); coding-DNA position 611, G replaced by A.
Protein change: p.Arg204His; replaces arginine 204 with histidine.
Molecular consequence: missense variant.
Genome position (GRCh38, 1-based): chrX:143,630,498, C>T on the plus strand (G>A on the coding strand, the complement: SLITRK4 is on the minus strand). VCF-style: chrX-143630498-C-T. GRCh37 (hg19) VCF-style: chrX-142718314-C-T.
Other names: c.611G>A, p.Arg204His (NM_001184750.2, NM_173078.5); short protein forms R204H.
Identifiers: ClinVar variation 1803740 (VCV001803740.1), dbSNP rs1166723245, ClinGen allele CA414497043.

ClinVar aggregate classification (germline): Uncertain significance (1 of 4 stars; one submission).

Allele frequency attached by ClinVar (database versions not stated): TOPMed below 0.00001; gnomAD exomes 0.00001.
gnomAD v4.1: 7 of 1,211,642 alleles (0.00058%); highest among the groups gnomAD compares: African/African-American, 0.0017%; no homozygotes.

Submission:

HudsonAlpha Institute for Biotechnology
Classification: Uncertain significance. Last evaluated: 2022-06-21. Review status: criteria provided, single submitter. Criteria: ACMG Guidelines, 2015. Collection method: research. Allele origin: maternal. Observed: 1 variant allele. Study: HudsonAlpha-AGHI-WGS.
Comment: ACMG codes:PM2_Moderate, PP3_Supporting